The following is an entry in ClinVar:

ClinVar aggregate classification (germline): Pathogenic. Review status: criteria provided, multiple submitters, no conflicts (2 of 4 stars). 2 submissions from 2 submitters: Pathogenic (2). Last evaluated 2024-01-24.

Allele frequency attached by ClinVar (database versions not stated): gnomAD exomes below 0.00001 and 0.00001.
gnomAD v4.1: 18 of 1,613,906 alleles (0.0011%); highest among the groups gnomAD compares: Non-Finnish European, 0.0014%; no homozygotes.

Submissions (2):

Labcorp Genetics (formerly Invitae), Labcorp
Classification: Pathogenic. Last evaluated: 2024-01-24. Review status: criteria provided, single submitter. Criteria: Invitae Variant Classification Sherloc (09022015). Collection method: clinical testing. Allele origin: germline.
Comment: This sequence change creates a premature translational stop signal (p.Glu245*) in the TOE1 gene. It is expected to result in an absent or disrupted protein product. Loss-of-function variants in TOE1 are known to be pathogenic (PMID: 28092684, 34716526). This variant is present in population databases (no rsID available, gnomAD 0.0009%). This variant has not been reported in the literature in individuals affected with TOE1-related conditions. ClinVar contains an entry for this variant (Variation ID: 523872). For these reasons, this variant has been classified as Pathogenic.

GeneDx
Classification: Pathogenic. Last evaluated: 2023-08-11. Review status: criteria provided, single submitter. Criteria: GeneDx Variant Classification Process June 2021. Collection method: clinical testing. Allele origin: germline. Affected: yes.
Comment: Nonsense variant predicted to result in protein truncation or nonsense mediated decay in a gene for which loss-of-function is a known mechanism of disease; Not observed at significant frequency in large population cohorts (gnomAD); Has not been previously published as pathogenic or benign to our knowledge

Literature cited by the submitters: PubMed 28092684 (cited by Labcorp Genetics (formerly Invitae), Labcorp); PubMed 34716526 (cited by Labcorp Genetics (formerly Invitae), Labcorp).

NM_025077.4(TOE1):c.733G>T (p.Glu245Ter)

Gene: TOE1 (target of EGR1, exonuclease; plus strand). Cytogenetic location: 1p34.1.
Variant type: single nucleotide variant.
Coding change: c.733G>T on transcript NM_025077.4 (MANE Select); coding-DNA position 733, G replaced by T.
Protein change: p.Glu245Ter; replaces glutamic acid 245 with a stop codon.
Molecular consequence: nonsense.
Genome position (GRCh38, 1-based): chr1:45,342,624, G>T. VCF-style: chr1-45342624-G-T. GRCh37 (hg19) VCF-style: chr1-45808296-G-T.
Other names: short protein forms E245*.
Identifiers: ClinVar variation 523872 (VCV000523872.10), dbSNP rs1393167436, ClinGen allele CA340139884.